The following is an entry in ClinVar:

NM_033056.4(PCDH15):c.5604G>A (p.Thr1868=)

Gene: PCDH15 (protocadherin related 15; minus strand). Cytogenetic location: 10q21.1.
Variant type: single nucleotide variant.
Coding change: c.5604G>A on transcript NM_033056.4 (MANE Plus Clinical); coding-DNA position 5604, G replaced by A.
Protein change: p.Thr1868=; no amino-acid change (threonine 1868 retained).
Molecular consequence: synonymous variant. On other transcripts: intron variant (8).
Genome position (GRCh38, 1-based): chr10:53,822,122, C>T on the plus strand (G>A on the coding strand, the complement: PCDH15 is on the minus strand). VCF-style: chr10-53822122-C-T. GRCh37 (hg19) VCF-style: chr10-55581882-C-T.
Other names: c.5625G>A, p.Thr1875= (NM_001142763.2); c.5610G>A, p.Thr1870= (NM_001142764.2); c.5397G>A, p.Thr1799= (NM_001142765.2); c.5595G>A, p.Thr1865= (NM_001142766.2); c.5484G>A, p.Thr1828= (NM_001142767.2); c.5544G>A, p.Thr1848= (NM_001142768.2); c.5535G>A, p.Thr1845= (NM_001142773.2); c.5538G>A, p.Thr1846= (NM_001354404.2); and 7 more.
Identifiers: ClinVar variation 1114909 (VCV001114909.14), dbSNP rs747596359, ClinGen allele CA5504999.

ClinVar aggregate classification (germline): Likely benign. Review status: criteria provided, multiple submitters, no conflicts (2 of 4 stars). 4 submissions from 4 submitters: Likely benign (4). Last evaluated 2025-10-08.

Conditions:
PCDH15-related disorder. Also called: PCDH15-related condition; PCDH15-related disorders.

Allele frequency attached by ClinVar (database versions not stated): gnomAD 0.00001; gnomAD exomes 0.00001 and 0.00005; TOPMed 0.00002; ExAC 0.00005.
gnomAD v4.1: 19 of 1,613,796 alleles (0.0012%); highest among the groups gnomAD compares: Admixed American, 0.02%; no homozygotes.

Submissions (4):

PreventionGenetics, part of Exact Sciences
Classification: Likely benign for PCDH15-related condition. Last evaluated: 2025-10-08. Review status: criteria provided, single submitter. Criteria: ACMG Guidelines, 2015. Collection method: clinical testing. Allele origin: germline.
Comment: This variant is classified as likely benign based on ACMG/AMP sequence variant interpretation guidelines (Richards et al. 2015 PMID: 25741868, with internal and published modifications).

Labcorp Genetics (formerly Invitae), Labcorp
Classification: Likely benign. Last evaluated: 2025-07-09. Review status: criteria provided, single submitter. Criteria: Invitae Variant Classification Sherloc (09022015). Collection method: clinical testing. Allele origin: germline.

Blueprint Genetics
Classification: Likely benign. Last evaluated: 2022-03-21. Review status: criteria provided, single submitter. Criteria: ACMG Guidelines, 2015. Collection method: clinical testing. Allele origin: germline.

GeneDx
Classification: Likely benign. Last evaluated: 2021-10-04. Review status: criteria provided, single submitter. Criteria: GeneDx Variant Classification Process June 2021. Collection method: clinical testing. Allele origin: germline. Affected: yes.